The following is an entry in ClinVar:

NM_013372.7(GREM1):c.122A>G (p.His41Arg)

Gene: GREM1 (gremlin 1, DAN family BMP antagonist; plus strand). Cytogenetic location: 15q13.3.
Variant type: single nucleotide variant.
Coding change: c.122A>G on transcript NM_013372.7 (MANE Select); coding-DNA position 122, A replaced by G.
Protein change: p.His41Arg; replaces histidine 41 with arginine.
Molecular consequence: missense variant. On other transcripts: intron variant (2).
Genome position (GRCh38, 1-based): chr15:32,730,812, A>G. VCF-style: chr15-32730812-A-G. GRCh37 (hg19) VCF-style: chr15-33023013-A-G.
Other names: c.122A>G, p.His41Arg (NM_001368719.1); c.114+8A>G (NM_001191323.2); c.27+95A>G (NM_001191322.2); short protein forms H41R.
Identifiers: ClinVar variation 1755099 (VCV001755099.3), dbSNP rs553840621, ClinGen allele CA7456111.

ClinVar aggregate classification (germline): Uncertain significance (1 of 4 stars; one submission).

Conditions:
Hereditary cancer-predisposing syndrome. Also called: Neoplastic Syndromes, Hereditary; Tumor predisposition; Hereditary Cancer Syndrome; Hereditary neoplastic syndrome. Identifiers: Orphanet 140162, MedGen C0027672, MeSH D009386, MONDO:0015356.

Allele frequency attached by ClinVar (database versions not stated): gnomAD exomes below 0.00001; ExAC 0.00001; gnomAD 0.00001; TOPMed 0.00004; 1000 Genomes Project 30x 0.00016; 1000 Genomes Project 0.00020.
gnomAD v4.1: 6 of 1,613,988 alleles (0.00037%); highest among the groups gnomAD compares: East Asian, 0.0045%; no homozygotes.

Submission:

Ambry Genetics
Classification: Uncertain significance for Hereditary cancer-predisposing syndrome. Last evaluated: 2024-04-24. Review status: criteria provided, single submitter. Criteria: Ambry Variant Classification Scheme 2023. Collection method: clinical testing. Allele origin: germline.
Comment: The p.H41R variant (also known as c.122A>G), located in coding exon 1 of the GREM1 gene, results from an A to G substitution at nucleotide position 122. The histidine at codon 41 is replaced by arginine, an amino acid with highly similar properties. This amino acid position is conserved. In addition, this alteration is predicted to be tolerated by in silico analysis. Since supporting evidence is limited at this time, the clinical significance of this alteration remains unclear.